The following is an entry in ClinVar:

ClinVar aggregate classification (germline): Pathogenic (1 of 4 stars; one submission).

Conditions:
Acyl-CoA dehydrogenase 9 deficiency. Also called: Acyl-CoA dehydrogenase family, member 9, deficiency of; MITOCHONDRIAL COMPLEX I DEFICIENCY, NUCLEAR TYPE 20. Identifiers: Orphanet 99901, MedGen C4747517, MONDO:0012624, OMIM 611126.

Submission:

Victorian Clinical Genetics Services, Murdoch Childrens Research Institute
Classification: Pathogenic for Acyl-CoA dehydrogenase 9 deficiency. Last evaluated: 2022-02-02. Review status: criteria provided, single submitter. Criteria: ACMG Guidelines, 2015. Collection method: clinical testing. Allele origin: germline. Inheritance: Autosomal recessive inheritance. Affected: yes.
Comment: Based on the classification scheme VCGS_Germline_v1.3.4, this variant is classified as Pathogenic. Following criteria are met: 0102 - Loss of function is a known mechanism of disease in this gene and is associated with nuclear type 20 mitochondrial complex I deficiency (MIM#611126). (I) 0106 - This gene is associated with autosomal recessive disease. (I) 0201 - Variant is predicted to cause nonsense-mediated decay (NMD) and loss of protein (premature termination codon is located at least 54 nucleotides upstream of the final exon-exon junction). (SP) 0251 - This variant is heterozygous. (I) 0301 - Variant is absent from gnomAD (both v2 and v3). (SP) 0701 - Other premature termination variants comparable to the one identified in this case have very strong previous evidence for pathogenicity. Many NMD-predicted variants have been reported as likely pathogenic/pathogenic (ClinVar). (SP) 0807 - This variant has no previous evidence of pathogenicity. (I) 0905 - No published segregation evidence has been identified for this variant. (I) 1007 - No published functional evidence has been identified for this variant. (I) 1102 - Strong phenotype match for this individual. (I) Legend: (SP) - Supporting pathogenic, (I) - Information, (SB) - Supporting benign

NM_014049.5(ACAD9):c.1185_1188del (p.Ser395fs)

Gene: ACAD9 (acyl-CoA dehydrogenase family member 9; plus strand). Cytogenetic location: 3q21.3.
Variant type: Microsatellite.
Coding change: c.1185_1188del on transcript NM_014049.5 (MANE Select); coding-DNA positions 1185 to 1188, 4 bases deleted (TGAG; older notation c.1185_1188delTGAG).
Protein change: p.Ser395fs; shifts the reading frame from serine 395.
Molecular consequence: frameshift variant. On other transcripts: non-coding transcript variant (1).
Genome position (GRCh38, 1-based): chr3:128,906,156-128,906,159, TGAG deleted; deleting any 4 consecutive bases within chr3:128,906,151-128,906,159 gives the same sequence; the c. name uses the placement nearest the transcript's 3' end. VCF-style (leftmost placement, unchanged base first): chr3-128906150-TGTGA-T. GRCh37 (hg19) VCF-style: chr3-128624993-TGTGA-T.
Other names: c.816_819del, p.Ser272fs (NM_001410805.1); short protein forms S272fs, S395fs.
Identifiers: ClinVar variation 2500742 (VCV002500742.2), dbSNP rs2529272954, ClinGen allele CA2573050755.